The following is an entry in ClinVar:

ClinVar aggregate classification (germline): Uncertain significance. Review status: criteria provided, multiple submitters, no conflicts (2 of 4 stars). 2 submissions from 2 submitters: Uncertain significance (2). Last evaluated 2017-06-28.

Conditions:
Dilated cardiomyopathy 1G (CMD1G). Identifiers: Orphanet 154, MedGen C1858763, MONDO:0011400, OMIM 604145.
Autosomal recessive limb-girdle muscular dystrophy type 2J (LGMDR10). Also called: Limb-girdle muscular dystrophy, type 2J; MUSCULAR DYSTROPHY, LIMB-GIRDLE, AUTOSOMAL RECESSIVE 10. Identifiers: Orphanet 140922, MedGen C1837342, MONDO:0012127, OMIM 608807.

Allele frequency attached by ClinVar (database versions not stated): gnomAD exomes below 0.00001 and 0.00002; gnomAD 0.00001.
gnomAD v4.1: 23 of 1,613,970 alleles (0.0014%); highest among the groups gnomAD compares: Non-Finnish European, 0.0019%; no homozygotes.

Submissions (2):

Labcorp Genetics (formerly Invitae), Labcorp
Classification: Uncertain significance for Dilated cardiomyopathy 1G; Autosomal recessive limb-girdle muscular dystrophy type 2J. Last evaluated: 2017-06-28. Review status: criteria provided, single submitter. Criteria: Invitae Variant Classification Sherloc (09022015). Collection method: clinical testing. Allele origin: germline.

Laboratory for Molecular Medicine, Mass General Brigham Personalized Medicine
Classification: Uncertain significance. Last evaluated: 2013-04-20. Review status: criteria provided, single submitter. Criteria: LMM Criteria. Collection method: clinical testing. Allele origin: germline. Observed: 1 variant allele.
Comment: Variant classified as Uncertain Significance - Favor Benign. The Thr477Ser varia nt in TTN has not been reported in individuals with cardiomyopathy or in large p opulation studies. Threonine (Thr) at position 477 is not fully conserved in evo lutionarily distant species, and 2 mammals (rabbit and pika) carry a serine (Ser ; this variant) at this position, suggesting that this change may be tolerated. Other computational analyses (biochemical amino acid properties, AlignGVGD, Poly Phen2, and SIFT) do not provide strong support for or against an impact to the p rotein. Additional studies are needed to fully assess the clinical significance of this variant.

NM_001267550.2(TTN):c.1429A>T (p.Thr477Ser)

Gene: TTN (titin; minus strand). Cytogenetic location: 2q31.2.
Variant type: single nucleotide variant.
Coding change: c.1429A>T on transcript NM_001267550.2 (MANE Select); coding-DNA position 1429, A replaced by T.
Protein change: p.Thr477Ser; replaces threonine 477 with serine.
Molecular consequence: missense variant.
Genome position (GRCh38, 1-based): chr2:178,793,511, T>A on the plus strand (A>T on the coding strand, the complement: TTN is on the minus strand). VCF-style: chr2-178793511-T-A. GRCh37 (hg19) VCF-style: chr2-179658238-T-A.
Other names: c.1429A>T, p.Thr477Ser (NM_001256850.1, NM_003319.4, NM_133379.5 and 3 more transcripts); short protein forms T477S.
Identifiers: ClinVar variation 166349 (VCV000166349.7), dbSNP rs727503705, ClinGen allele CA179417.